The following is an entry in ClinVar:

NM_004104.5(FASN):c.4936G>T (p.Ala1646Ser)

Gene: FASN (fatty acid synthase; minus strand). Cytogenetic location: 17q25.3.
Variant type: single nucleotide variant.
Coding change: c.4936G>T on transcript NM_004104.5 (MANE Select); coding-DNA position 4936, G replaced by T.
Protein change: p.Ala1646Ser; replaces alanine 1646 with serine.
Molecular consequence: missense variant.
Genome position (GRCh38, 1-based): chr17:82,084,137, C>A on the plus strand (G>T on the coding strand, the complement: FASN is on the minus strand). VCF-style: chr17-82084137-C-A. GRCh37 (hg19) VCF-style: chr17-80042013-C-A.
Other names: short protein forms A1646S.
Identifiers: ClinVar variation 4747673 (VCV004747673.1).

ClinVar aggregate classification (germline): Uncertain significance (1 of 4 stars; one submission).

Conditions:
Epileptic encephalopathy. Identifiers: MedGen C0543888, HP:0200134.

Submission:

Labcorp Genetics (formerly Invitae), Labcorp
Classification: Uncertain significance for Epileptic encephalopathy. Last evaluated: 2025-09-21. Review status: criteria provided, single submitter. Criteria: Invitae Variant Classification Sherloc (09022015). Collection method: clinical testing. Allele origin: germline.
Comment: This sequence change replaces alanine, which is neutral and non-polar, with serine, which is neutral and polar, at codon 1646 of the FASN protein (p.Ala1646Ser). This variant is not present in population databases (gnomAD no frequency). This variant has not been reported in the literature in individuals affected with FASN-related conditions. An algorithm developed to predict the effect of missense changes on protein structure and function (PolyPhen-2) suggests that this variant is likely to be tolerated. In summary, the available evidence is currently insufficient to determine the role of this variant in disease. Therefore, it has been classified as a Variant of Uncertain Significance.